The following is an entry in ClinVar:

ClinVar aggregate classification (germline): Benign/Likely benign. Review status: criteria provided, multiple submitters, no conflicts (2 of 4 stars). 3 submissions from 3 submitters: Benign (1); Likely benign (2). Last evaluated 2024-10-29.

Conditions:
Inborn genetic diseases. Identifiers: MedGen C0950123, MeSH D030342.

Allele frequency attached by ClinVar (database versions not stated): ExAC 0.00005; gnomAD 0.00005; gnomAD exomes 0.00007; ESP Exome Variant Server 0.00008.
gnomAD v4.1: 239 of 1,586,454 alleles (0.015%); highest among the groups gnomAD compares: Non-Finnish European, 0.019%; no homozygotes.

Submissions (3):

Ambry Genetics
Classification: Likely benign for Inborn genetic diseases. Last evaluated: 2024-10-29. Review status: criteria provided, single submitter. Criteria: Ambry Variant Classification Scheme 2023. Collection method: clinical testing. Allele origin: germline.

Labcorp Genetics (formerly Invitae), Labcorp
Classification: Benign. Last evaluated: 2024-10-23. Review status: criteria provided, single submitter. Criteria: Invitae Variant Classification Sherloc (09022015). Collection method: clinical testing. Allele origin: germline.

CeGaT Center for Human Genetics Tuebingen
Classification: Likely benign. Last evaluated: 2024-08-01. Review status: criteria provided, single submitter. Criteria: CeGaT Center For Human Genetics Tuebingen Variant Classification Criteria Version 2. Collection method: clinical testing. Allele origin: germline. Affected: yes. Observed: 1 variant allele.
Comment: ASXL2: BS1

NM_018263.6(ASXL2):c.3971G>A (p.Gly1324Glu)

Gene: ASXL2 (ASXL transcriptional regulator 2; minus strand). Cytogenetic location: 2p23.3.
Variant type: single nucleotide variant.
Coding change: c.3971G>A on transcript NM_018263.6 (MANE Select); coding-DNA position 3971, G replaced by A.
Protein change: p.Gly1324Glu; replaces glycine 1324 with glutamic acid.
Molecular consequence: missense variant.
Genome position (GRCh38, 1-based): chr2:25,742,366, C>T on the plus strand (G>A on the coding strand, the complement: ASXL2 is on the minus strand). VCF-style: chr2-25742366-C-T. GRCh37 (hg19) VCF-style: chr2-25965235-C-T.
Other names: c.3797G>A, p.Gly1266Glu (NM_001369346.1); c.3191G>A, p.Gly1064Glu (NM_001369347.1); c.3971G>A (NM_018263.4); short protein forms G1064E, G1324E, G1266E.
Identifiers: ClinVar variation 1378717 (VCV001378717.25), dbSNP rs370555517, ClinGen allele CA1557387.